The following is an entry in ClinVar:

NM_000138.5(FBN1):c.4163G>C (p.Arg1388Pro)

Gene: FBN1 (fibrillin 1; minus strand). Cytogenetic location: 15q21.1.
Variant type: single nucleotide variant.
Coding change: c.4163G>C on transcript NM_000138.5 (MANE Select); coding-DNA position 4163, G replaced by C.
Protein change: p.Arg1388Pro; replaces arginine 1388 with proline.
Molecular consequence: missense variant.
Genome position (GRCh38, 1-based): chr15:48,474,302, C>G on the plus strand (G>C on the coding strand, the complement: FBN1 is on the minus strand). VCF-style: chr15-48474302-C-G. GRCh37 (hg19) VCF-style: chr15-48766499-C-G.
Other names: short protein forms R1388P.
Identifiers: ClinVar variation 495605 (VCV000495605.6), dbSNP rs749196340, ClinGen allele CA392320168.

ClinVar aggregate classification (germline): Conflicting classifications of pathogenicity. Review status: criteria provided, conflicting classifications (1 of 4 stars). 2 submissions from 2 submitters: Pathogenic (1); Uncertain significance (1). Last evaluated 2022-12-12.

Conditions:
Marfan syndrome (MFS). Also called: MARFAN SYNDROME, TYPE I; FBN1-Related Marfan Syndrome; Marfan syndrome type 1; Marfan's syndrome; Marfan syndrome, classic. Identifiers: Orphanet 284963, Orphanet 558, MedGen C0024796, MONDO:0007947, OMIM 154700.
Familial thoracic aortic aneurysm and aortic dissection (TAAD). Also called: Thoracic aortic aneurysms and dissections. Identifiers: Orphanet 91387, MedGen C4707243, MONDO:0019625.

Submissions (2):

Labcorp Genetics (formerly Invitae), Labcorp
Classification: Pathogenic for Marfan syndrome; Familial thoracic aortic aneurysm and aortic dissection. Last evaluated: 2022-12-12. Review status: criteria provided, single submitter. Criteria: Invitae Variant Classification Sherloc (09022015). Collection method: clinical testing. Allele origin: germline.
Comment: ClinVar contains an entry for this variant (Variation ID: 495605). This missense change has been observed in individual(s) with Marfan syndrome (Invitae). In at least one individual the variant was observed to be de novo. This variant is not present in population databases (gnomAD no frequency). This sequence change replaces arginine, which is basic and polar, with proline, which is neutral and non-polar, at codon 1388 of the FBN1 protein (p.Arg1388Pro). Advanced modeling of protein sequence and biophysical properties (such as structural, functional, and spatial information, amino acid conservation, physicochemical variation, residue mobility, and thermodynamic stability) performed at Invitae indicates that this missense variant is expected to disrupt FBN1 protein function. For these reasons, this variant has been classified as Pathogenic.

Women's Health and Genetics/Laboratory Corporation of America, LabCorp
Classification: Uncertain significance. Last evaluated: 2016-02-18. Review status: criteria provided, single submitter. Criteria: LabCorp Variant Classification Summary - May 2015. Collection method: clinical testing. Allele origin: germline.